The following is an entry in ClinVar:

ClinVar aggregate classification (germline): Uncertain significance. Review status: criteria provided, multiple submitters, no conflicts (2 of 4 stars). 3 submissions from 3 submitters: Uncertain significance (2). 1 of the submissions does not count toward it. Last evaluated 2025-08-24.

Conditions:
Walker-Warburg congenital muscular dystrophy. Also called: Muscular dystrophy-dystroglycanopathy, type A; Walker-Warburg syndrome. Identifiers: Orphanet 899, MedGen C0265221, MONDO:0000171.
Cardiovascular phenotype. Identifiers: MedGen CN230736.
Autosomal recessive limb-girdle muscular dystrophy type 2I. Also called: MUSCULAR DYSTROPHY, LIMB-GIRDLE, TYPE 2I; MUSCULAR DYSTROPHY-DYSTROGLYCANOPATHY (LIMB-GIRDLE), TYPE C, 5; MUSCULAR DYSTROPHY-DYSTROGLYCANOPATHY, LIMB-GIRDLE, FRKP-RELATED. Identifiers: Orphanet 34515, MedGen C1846672, MONDO:0011787, OMIM 607155.

Allele frequency attached by ClinVar (database versions not stated): gnomAD 0.00001; ExAC 0.00003; TOPMed 0.00003.
gnomAD v4.1: 2 of 1,608,974 alleles (0.00012%); highest among the groups gnomAD compares: African/African-American, 0.0027%; no homozygotes.

Submissions (3):

Ambry Genetics
Classification: Uncertain significance for Cardiovascular phenotype. Last evaluated: 2025-08-24. Review status: criteria provided, single submitter. Criteria: Ambry Variant Classification Scheme 2023. Collection method: clinical testing. Allele origin: germline.
Comment: The p.A11V variant (also known as c.32C>T), located in coding exon 1 of the FKRP gene, results from a C to T substitution at nucleotide position 32. The alanine at codon 11 is replaced by valine, an amino acid with similar properties. This amino acid position is well conserved in available vertebrate species. In addition, the in silico prediction for this alteration is inconclusive. Since supporting evidence is limited at this time, the clinical significance of this alteration remains unclear.

Labcorp Genetics (formerly Invitae), Labcorp
Classification: Uncertain significance for Walker-Warburg congenital muscular dystrophy. Last evaluated: 2021-09-01. Review status: criteria provided, single submitter. Criteria: Invitae Variant Classification Sherloc (09022015). Collection method: clinical testing. Allele origin: germline.
Comment: This sequence change replaces alanine with valine at codon 11 of the FKRP protein (p.Ala11Val). The alanine residue is moderately conserved and there is a small physicochemical difference between alanine and valine. This variant is present in population databases (rs760295001, ExAC 0.03%). This variant has not been reported in the literature in individuals affected with FKRP-related conditions. Algorithms developed to predict the effect of missense changes on protein structure and function (SIFT, PolyPhen-2, Align-GVGD) all suggest that this variant is likely to be tolerated. In summary, the available evidence is currently insufficient to determine the role of this variant in disease. Therefore, it has been classified as a Variant of Uncertain Significance.

Natera, Inc.
Classification: Uncertain significance for Limb-girdle muscular dystrophy type 2I. Last evaluated: 2021-08-10. Review status: no assertion criteria provided. Collection method: clinical testing. Allele origin: germline. Not counted in ClinVar's aggregate classification.

NM_024301.5(FKRP):c.32C>T (p.Ala11Val)

Gene: FKRP (fukutin related protein; plus strand). Cytogenetic location: 19q13.32.
Variant type: single nucleotide variant.
Coding change: c.32C>T on transcript NM_024301.5 (MANE Select); coding-DNA position 32, C replaced by T.
Protein change: p.Ala11Val; replaces alanine 11 with valine.
Molecular consequence: missense variant.
Genome position (GRCh38, 1-based): chr19:46,755,482, C>T. VCF-style: chr19-46755482-C-T. GRCh37 (hg19) VCF-style: chr19-47258739-C-T.
Other names: c.32C>T, p.Ala11Val (NM_001039885.3); short protein forms A11V.
Identifiers: ClinVar variation 944173 (VCV000944173.11), dbSNP rs760295001, ClinGen allele CA9532097.